The following is an entry in ClinVar:

ClinVar aggregate classification (germline): Likely benign. Review status: criteria provided, single submitter (1 of 4 stars). 2 submissions from 2 submitters: Likely benign (1). 1 of the submissions does not count toward it. Last evaluated 2025-04-14.

Conditions:
CYP7B1-related disorder. Also called: CYP7B1-related condition.
Spastic paraplegia. Identifiers: MedGen C0037772, HP:0001258.

Allele frequency attached by ClinVar (database versions not stated): gnomAD exomes 0.00001; ExAC 0.00002; gnomAD 0.00002; TOPMed 0.00003; ESP Exome Variant Server 0.00008.
gnomAD v4.1: 12 of 1,613,964 alleles (0.00074%); highest among the groups gnomAD compares: African/African-American, 0.011%; no homozygotes.

Submissions (2):

Labcorp Genetics (formerly Invitae), Labcorp
Classification: Likely benign for Spastic paraplegia. Last evaluated: 2025-04-14. Review status: criteria provided, single submitter. Criteria: Invitae Variant Classification Sherloc (09022015). Collection method: clinical testing. Allele origin: germline.

PreventionGenetics, part of Exact Sciences
Classification: Likely benign for CYP7B1-related condition. Last evaluated: 2024-08-29. Review status: no assertion criteria provided. Collection method: clinical testing. Allele origin: germline. Not counted in ClinVar's aggregate classification.
Comment: This variant is classified as likely benign based on ACMG/AMP sequence variant interpretation guidelines (Richards et al. 2015 PMID: 25741868, with internal and published modifications).

NM_004820.5(CYP7B1):c.1146C>T (p.Thr382=)

Gene: CYP7B1 (cytochrome P450 family 7 subfamily B member 1; minus strand). Cytogenetic location: 8q12.3.
Variant type: single nucleotide variant.
Coding change: c.1146C>T on transcript NM_004820.5 (MANE Select); coding-DNA position 1146, C replaced by T.
Protein change: p.Thr382=; no amino-acid change (threonine 382 retained).
Molecular consequence: synonymous variant.
Genome position (GRCh38, 1-based): chr8:64,604,769, G>A on the plus strand (C>T on the coding strand, the complement: CYP7B1 is on the minus strand). VCF-style: chr8-64604769-G-A. GRCh37 (hg19) VCF-style: chr8-65517326-G-A.
Other names: c.1146C>T (NM_004820.4); c.1146C>T, p.Thr382= (NM_001324112.2).
Identifiers: ClinVar variation 705488 (VCV000705488.9), dbSNP rs372814474, ClinGen allele CA4764043.